The following is an entry in ClinVar:

ClinVar aggregate classification (germline): Uncertain significance (1 of 4 stars; one submission).

Conditions:
Nemaline myopathy 2 (NEM2). Also called: Nemaline myopathy 2, autosomal recessive. Identifiers: MedGen C1850569, MONDO:0009725, OMIM 256030.

Submission:

MVZ Medizinische Genetik Mainz
Classification: Uncertain significance for Nemaline myopathy 2. Last evaluated: 2024-12-10. Review status: criteria provided, single submitter. Criteria: UK Practice Guidelines For Variant Classification V4 01 2020. Collection method: clinical testing. Allele origin: germline. Inheritance: Autosomal recessive inheritance. Affected: yes. Observed: 1 variant allele.
Comment: ACMG Criteria: PVS1_MOD,PM2_SUP,PM3_SUP

NM_001164508.2(NEB):c.19837-2A>G

Gene: NEB (nebulin; minus strand). Cytogenetic location: 2q23.3.
Variant type: single nucleotide variant.
Coding change: c.19837-2A>G on transcript NM_001164508.2 (MANE Select); the canonical splice acceptor site of the intron before coding-DNA position 19837, A replaced by G.
Molecular consequence: splice acceptor variant.
Genome position (GRCh38, 1-based): chr2:151,551,847, T>C on the plus strand (A>G on the coding strand, the complement: NEB is on the minus strand). VCF-style: chr2-151551847-T-C. GRCh37 (hg19) VCF-style: chr2-152408361-T-C.
Other names: c.14734-2A>G (NM_004543.5); c.19837-2A>G (NM_001164507.2, NM_001271208.2).
Identifiers: ClinVar variation 3392559 (VCV003392559.1).